The following is an entry in ClinVar:

NM_000245.4(MET):c.2545A>G (p.Met849Val)

Gene: MET (MET proto-oncogene, receptor tyrosine kinase; plus strand). Cytogenetic location: 7q31.2.
Variant type: single nucleotide variant.
Coding change: c.2545A>G on transcript NM_000245.4 (MANE Select); coding-DNA position 2545, A replaced by G.
Protein change: p.Met849Val; replaces methionine 849 with valine.
Molecular consequence: missense variant.
Genome position (GRCh38, 1-based): chr7:116,763,230, A>G. VCF-style: chr7-116763230-A-G. GRCh37 (hg19) VCF-style: chr7-116403284-A-G.
Other names: c.2599A>G, p.Met867Val (NM_001127500.3); c.2545A>G, p.Met849Val (NM_001324401.3); c.1255A>G, p.Met419Val (NM_001324402.2); short protein forms M849V, M867V, M419V.
Identifiers: ClinVar variation 658233 (VCV000658233.12), dbSNP rs1584947097, ClinGen allele CA368983599.

ClinVar aggregate classification (germline): Conflicting classifications of pathogenicity. Review status: criteria provided, conflicting classifications (1 of 4 stars). 2 submissions from 2 submitters: Uncertain significance (1); Likely benign (1). Last evaluated 2026-09-11.

Conditions:
Hereditary cancer-predisposing syndrome. Also called: Neoplastic Syndromes, Hereditary; Hereditary Cancer Syndrome; Hereditary neoplastic syndrome; Tumor predisposition. Identifiers: Orphanet 140162, MedGen C0027672, MeSH D009386, MONDO:0015356.
Renal cell carcinoma. Identifiers: Orphanet 217071, MedGen C0007134, MeSH D002292, MONDO:0005086, HP:0005584.

Allele frequency attached by ClinVar (database versions not stated): gnomAD exomes below 0.00001.
gnomAD v4.1: 1 of 1,613,948 alleles (0.000062%); highest among the groups gnomAD compares: Non-Finnish European, 0.000085%; no homozygotes.

Submissions (2):

Ambry Genetics
Classification: Likely benign for Hereditary cancer-predisposing syndrome. Last evaluated: 2026-09-11. Review status: criteria provided, single submitter. Criteria: Ambry Variant Classification Scheme 2023. Collection method: clinical testing. Allele origin: germline.

Labcorp Genetics (formerly Invitae), Labcorp
Classification: Uncertain significance for Renal cell carcinoma. Last evaluated: 2022-06-12. Review status: criteria provided, single submitter. Criteria: Invitae Variant Classification Sherloc (09022015). Collection method: clinical testing. Allele origin: germline.
Comment: In summary, the available evidence is currently insufficient to determine the role of this variant in disease. Therefore, it has been classified as a Variant of Uncertain Significance. Algorithms developed to predict the effect of missense changes on protein structure and function output the following: SIFT: "Tolerated"; PolyPhen-2: "Benign"; Align-GVGD: "Class C0". The valine amino acid residue is found in multiple mammalian species, which suggests that this missense change does not adversely affect protein function. ClinVar contains an entry for this variant (Variation ID: 658233). This variant has not been reported in the literature in individuals affected with MET-related conditions. This variant is not present in population databases (gnomAD no frequency). This sequence change replaces methionine, which is neutral and non-polar, with valine, which is neutral and non-polar, at codon 867 of the MET protein (p.Met867Val).